The following is an entry in ClinVar:

NM_000406.3(GNRHR):c.143T>C (p.Leu48Pro)

Gene: GNRHR (gonadotropin releasing hormone receptor; minus strand). Cytogenetic location: 4q13.2.
Variant type: single nucleotide variant.
Coding change: c.143T>C on transcript NM_000406.3 (MANE Select); coding-DNA position 143, T replaced by C.
Protein change: p.Leu48Pro; replaces leucine 48 with proline.
Molecular consequence: missense variant.
Genome position (GRCh38, 1-based): chr4:67,754,193, A>G on the plus strand (T>C on the coding strand, the complement: GNRHR is on the minus strand). VCF-style: chr4-67754193-A-G. GRCh37 (hg19) VCF-style: chr4-68619911-A-G.
Other names: c.143T>C, p.Leu48Pro (NM_001012763.2); c.143T>C (NM_000406.2); short protein forms L48P.
Identifiers: ClinVar variation 493395 (VCV000493395.43), dbSNP rs1553914222, ClinGen allele CA357056271.

ClinVar aggregate classification (germline): Uncertain significance. Review status: criteria provided, multiple submitters, no conflicts (2 of 4 stars). 2 submissions from 2 submitters: Uncertain significance (2). Last evaluated 2025-05-13.

Conditions:
Inborn genetic diseases. Identifiers: MedGen C0950123, MeSH D030342.

Submissions (2):

Ambry Genetics
Classification: Uncertain significance for Inborn genetic diseases. Last evaluated: 2025-05-13. Review status: criteria provided, single submitter. Criteria: Ambry Variant Classification Scheme 2023. Collection method: clinical testing. Allele origin: germline.

CeGaT Center for Human Genetics Tuebingen
Classification: Uncertain significance. Last evaluated: 2023-04-01. Review status: criteria provided, single submitter. Criteria: CeGaT Center For Human Genetics Tuebingen Variant Classification Criteria Version 2. Collection method: clinical testing. Allele origin: germline. Affected: yes. Observed: 2 variant alleles.
Comment: GNRHR: PM2, PM3, BP4